The following is an entry in ClinVar:

ClinVar aggregate classification (germline): Uncertain significance. Review status: criteria provided, multiple submitters, no conflicts (2 of 4 stars). 2 submissions from 2 submitters: Uncertain significance (2). Last evaluated 2026-03-18.

Conditions:
Familial adenomatous polyposis 1 (FAP1). Also called: FAMILIAL ADENOMATOUS POLYPOSIS 1, ATTENUATED; POLYPOSIS, ADENOMATOUS INTESTINAL. Identifiers: MedGen C2713442, MONDO:0021056, OMIM 175100. Disease mechanism: loss of function.
Hereditary cancer-predisposing syndrome. Also called: Tumor predisposition; Neoplastic Syndromes, Hereditary; Hereditary Cancer Syndrome; Hereditary neoplastic syndrome. Identifiers: Orphanet 140162, MedGen C0027672, MeSH D009386, MONDO:0015356.

Allele frequency attached by ClinVar (database versions not stated): gnomAD exomes below 0.00001.
gnomAD v4.1: 1 of 1,614,136 alleles (0.000062%); highest among the groups gnomAD compares: Non-Finnish European, 0.000085%; no homozygotes.

Submissions (2):

Ambry Genetics
Classification: Uncertain significance for Hereditary cancer-predisposing syndrome. Last evaluated: 2026-03-18. Review status: criteria provided, single submitter. Criteria: Ambry Variant Classification Scheme 2023. Collection method: clinical testing. Allele origin: germline.
Comment: The p.G702R variant (also known as c.2104G>C), located in coding exon 15 of the APC gene, results from a G to C substitution at nucleotide position 2104. The glycine at codon 702 is replaced by arginine, an amino acid with dissimilar properties. This amino acid position is conserved. In addition, in silico predictors for this gene do not accurately predict pathogenicity. Based on the available evidence, the clinical significance of this variant remains unclear.

Labcorp Genetics (formerly Invitae), Labcorp
Classification: Uncertain significance for Familial adenomatous polyposis 1. Last evaluated: 2021-03-08. Review status: criteria provided, single submitter. Criteria: Invitae Variant Classification Sherloc (09022015). Collection method: clinical testing. Allele origin: germline.
Comment: This sequence change replaces glycine with arginine at codon 702 of the APC protein (p.Gly702Arg). The glycine residue is highly conserved and there is a moderate physicochemical difference between glycine and arginine. This variant is not present in population databases (ExAC no frequency). This variant has not been reported in the literature in individuals with APC-related conditions. Algorithms developed to predict the effect of missense changes on protein structure and function (SIFT, PolyPhen-2, Align-GVGD) all suggest that this variant is likely to be disruptive, but these predictions have not been confirmed by published functional studies and their clinical significance is uncertain. In summary, the available evidence is currently insufficient to determine the role of this variant in disease. Therefore, it has been classified as a Variant of Uncertain Significance.

NM_000038.6(APC):c.2104G>C (p.Gly702Arg)

Gene: APC (APC regulator of Wnt signaling pathway; plus strand). Cytogenetic location: 5q22.2.
Variant type: single nucleotide variant.
Coding change: c.2104G>C on transcript NM_000038.6 (MANE Select); coding-DNA position 2104, G replaced by C.
Protein change: p.Gly702Arg; replaces glycine 702 with arginine.
Molecular consequence: missense variant.
Genome position (GRCh38, 1-based): chr5:112,837,698, G>C. VCF-style: chr5-112837698-G-C. GRCh37 (hg19) VCF-style: chr5-112173395-G-C.
Other names: c.2104G>C, p.Gly702Arg (NM_001127510.3, NM_001354895.2); c.2050G>C, p.Gly684Arg (NM_001127511.3); c.2158G>C, p.Gly720Arg (NM_001354896.2); c.2134G>C, p.Gly712Arg (NM_001354897.2); c.2029G>C, p.Gly677Arg (NM_001354898.2); c.2020G>C, p.Gly674Arg (NM_001354899.2); c.1981G>C, p.Gly661Arg (NM_001354900.2); c.1927G>C, p.Gly643Arg (NM_001354901.2); and 6 more; short protein forms G542R, G611R, G674R, G684R, G702R, G712R, G576R, G601R.
Identifiers: ClinVar variation 1515181 (VCV001515181.9), dbSNP rs1765106978, ClinGen allele CA16025931.
Genomic context (GRCh38, chr5:112,837,698, plus strand): 5'-GGAACTTTGTGGAATCTCTCAGCAAGAAATCCTAAAGACCAGGAAGCATTATGGGACATG[G>C]GGGCAGTTAGCATGCTCAAGAACCTCATTCATTCAAAGCACAAAATGATTGCTATGGGAA-3'
Protein context (NP_000029.2, residues 692-712): PKDQEALWDM[Gly702Arg]AVSMLKNLIH